The following is an entry in ClinVar:

ClinVar aggregate classification (germline): Likely benign. Review status: criteria provided, single submitter (1 of 4 stars). 2 submissions from 2 submitters: Likely benign (1). 1 of the submissions does not count toward it. Last evaluated 2024-02-22.

Conditions:
CC2D1A-related disorder. Also called: CC2D1A-related condition.

Allele frequency attached by ClinVar (database versions not stated): gnomAD exomes 0.00002; ExAC 0.00004; gnomAD 0.00004; TOPMed 0.00006; ESP Exome Variant Server 0.00008.

Submissions (2):

Labcorp Genetics (formerly Invitae), Labcorp
Classification: Likely benign. Last evaluated: 2024-02-22. Review status: criteria provided, single submitter. Criteria: Invitae Variant Classification Sherloc (09022015). Collection method: clinical testing. Allele origin: germline.

PreventionGenetics, part of Exact Sciences
Classification: Likely benign for CC2D1A-related condition. Last evaluated: 2020-01-13. Review status: no assertion criteria provided. Collection method: clinical testing. Allele origin: germline. Not counted in ClinVar's aggregate classification.
Comment: This variant is classified as likely benign based on ACMG/AMP sequence variant interpretation guidelines (Richards et al. 2015 PMID: 25741868, with internal and published modifications).

NM_017721.5(CC2D1A):c.654C>T (p.Ile218=)

Gene: CC2D1A (coiled-coil and C2 domain containing 1A; plus strand). Cytogenetic location: 19p13.12.
Variant type: single nucleotide variant.
Coding change: c.654C>T on transcript NM_017721.5 (MANE Select); coding-DNA position 654, C replaced by T.
Protein change: p.Ile218=; no amino-acid change (isoleucine 218 retained).
Molecular consequence: synonymous variant.
Genome position (GRCh38, 1-based): chr19:13,913,544, C>T. VCF-style: chr19-13913544-C-T. GRCh37 (hg19) VCF-style: chr19-14024357-C-T.
Other names: c.654C>T, p.Ile218= (NM_001411138.1); c.654C>T (NM_017721.4).
Identifiers: ClinVar variation 2728160 (VCV002728160.5), dbSNP rs375094506, ClinGen allele CA9244368.